The following is an entry in ClinVar:

NM_001164665.2(KIAA1549):c.778C>A (p.His260Asn)

Gene: KIAA1549 (KIAA1549; minus strand). Cytogenetic location: 7q34.
Variant type: single nucleotide variant.
Coding change: c.778C>A on transcript NM_001164665.2 (MANE Select); coding-DNA position 778, C replaced by A.
Protein change: p.His260Asn; replaces histidine 260 with asparagine.
Molecular consequence: missense variant.
Genome position (GRCh38, 1-based): chr7:138,918,848, G>T on the plus strand (C>A on the coding strand, the complement: KIAA1549 is on the minus strand). VCF-style: chr7-138918848-G-T. GRCh37 (hg19) VCF-style: chr7-138603594-G-T.
Other names: c.778C>A (NM_001164665.1); c.778C>A, p.His260Asn (NM_020910.3); short protein forms H260N.
Identifiers: ClinVar variation 998858 (VCV000998858.7), dbSNP rs770237102, ClinGen allele CA4506870.
Genomic context (GRCh38, chr7:138,918,848, plus strand): 5'-TGGTTTCCACACCCTCTGTTAGGGAAGCCACAATCTCTGGCAGAGTCCTGCTTGATAAAT[G>T]ACTGTAAGCATCAGTAGGATAAAGCACCAAATTCCTGCCAGGAGTTGGAACGATGCCCTC-3'
Protein context (NP_001158137.1, residues 250-270): LVLYPTDAYS[His260Asn]LSSRTLPEIV

ClinVar aggregate classification (germline): Uncertain significance. Review status: criteria provided, multiple submitters, no conflicts (2 of 4 stars). 2 submissions from 2 submitters: Uncertain significance (2). Last evaluated 2025-07-31.

Conditions:
Inborn genetic diseases. Identifiers: MedGen C0950123, MeSH D030342.

Allele frequency attached by ClinVar (database versions not stated): gnomAD 0.00001; TOPMed 0.00001; gnomAD exomes 0.00004 and 0.00006; ExAC 0.00012.
gnomAD v4.1: 69 of 1,613,878 alleles (0.0043%); highest among the groups gnomAD compares: Non-Finnish European, 0.0053%; no homozygotes.

Submissions (2):

Ambry Genetics
Classification: Uncertain significance for Inborn genetic diseases. Last evaluated: 2025-07-31. Review status: criteria provided, single submitter. Criteria: Ambry Variant Classification Scheme 2023. Collection method: clinical testing. Allele origin: germline.

Labcorp Genetics (formerly Invitae), Labcorp
Classification: Uncertain significance. Last evaluated: 2022-08-21. Review status: criteria provided, single submitter. Criteria: Invitae Variant Classification Sherloc (09022015). Collection method: clinical testing. Allele origin: germline.
Comment: In summary, the available evidence is currently insufficient to determine the role of this variant in disease. Therefore, it has been classified as a Variant of Uncertain Significance. Algorithms developed to predict the effect of missense changes on protein structure and function are either unavailable or do not agree on the potential impact of this missense change (SIFT: "Deleterious"; PolyPhen-2: "Benign"; Align-GVGD: "Class C0"). ClinVar contains an entry for this variant (Variation ID: 998858). This variant has not been reported in the literature in individuals affected with KIAA1549-related conditions. This variant is present in population databases (rs770237102, gnomAD 0.01%). This sequence change replaces histidine, which is basic and polar, with asparagine, which is neutral and polar, at codon 260 of the KIAA1549 protein (p.His260Asn).